The following is an entry in ClinVar:

ClinVar aggregate classification (germline): Uncertain significance (1 of 4 stars; one submission).

Conditions:
Aniridia 1 (AN1). Identifiers: Orphanet 250923, MedGen C0344542, MONDO:0024507, OMIM 106210.
Irido-corneo-trabecular dysgenesis (ASGD5). Also called: ANTERIOR SEGMENT DYSGENESIS 5. Identifiers: Orphanet 708, MedGen C0344559, MONDO:0011414, OMIM 604229, HP:0000659.

Submission:

Labcorp Genetics (formerly Invitae), Labcorp
Classification: Uncertain significance for Aniridia 1; Irido-corneo-trabecular dysgenesis. Last evaluated: 2023-04-17. Review status: criteria provided, single submitter. Criteria: Invitae Variant Classification Sherloc (09022015). Collection method: clinical testing. Allele origin: germline.
Comment: In summary, the available evidence is currently insufficient to determine the role of this variant in disease. Therefore, it has been classified as a Variant of Uncertain Significance. Advanced modeling of protein sequence and biophysical properties (such as structural, functional, and spatial information, amino acid conservation, physicochemical variation, residue mobility, and thermodynamic stability) performed at Invitae indicates that this missense variant is not expected to disrupt PAX6 protein function. This variant has not been reported in the literature in individuals affected with PAX6-related conditions. This variant is not present in population databases (gnomAD no frequency). This sequence change replaces glutamine, which is neutral and polar, with lysine, which is basic and polar, at codon 178 of the PAX6 protein (p.Gln178Lys).

NM_001368894.2(PAX6):c.574C>A (p.Gln192Lys)

Gene: PAX6 (paired box 6; minus strand). Cytogenetic location: 11p13.
Variant type: single nucleotide variant.
Coding change: c.574C>A on transcript NM_001368894.2 (MANE Select); coding-DNA position 574, C replaced by A.
Protein change: p.Gln192Lys; replaces glutamine 192 with lysine.
Molecular consequence: missense variant. On other transcripts: 5 prime UTR variant (1), non-coding transcript variant (2).
Genome position (GRCh38, 1-based): chr11:31,794,780, G>T on the plus strand (C>A on the coding strand, the complement: PAX6 is on the minus strand). VCF-style: chr11-31794780-G-T. GRCh37 (hg19) VCF-style: chr11-31816328-G-T.
Other names: c.532C>A, p.Gln178Lys (NM_000280.6, NM_001127612.3, NM_001258464.2 and 10 more transcripts); c.574C>A, p.Gln192Lys (NM_001258462.3, NM_001258463.2, NM_001310158.2 and 6 more transcripts); c.124C>A, p.Gln42Lys (NM_001310160.2, NM_001310161.3, NM_001368899.2 and 11 more transcripts); c.775C>A, p.Gln259Lys (NM_001368910.2); c.577C>A, p.Gln193Lys (NM_001368911.2); c.649C>A, p.Gln217Lys (NM_001368918.2, NM_001368919.2); c.607C>A, p.Gln203Lys (NM_001368920.2); c.373C>A, p.Gln125Lys (NM_001368921.2, NM_001368922.2, NM_001368923.2 and 4 more transcripts); and 2 more; short protein forms Q178K, Q259K, Q111K, Q125K, Q203K, Q192K, Q193K, Q217K.
Identifiers: ClinVar variation 2946855 (VCV002946855.3), dbSNP rs1565207028, ClinGen allele CA379957200.